The following is an entry in ClinVar:

NM_000188.3(HK1):c.1343G>A (p.Gly448Asp)

Gene: HK1 (hexokinase 1; plus strand). Cytogenetic location: 10q22.1.
Variant type: single nucleotide variant.
Coding change: c.1343G>A on transcript NM_000188.3 (MANE Select); coding-DNA position 1343, G replaced by A.
Protein change: p.Gly448Asp; replaces glycine 448 with aspartic acid.
Molecular consequence: missense variant. On other transcripts: non-coding transcript variant (2).
Genome position (GRCh38, 1-based): chr10:69,382,564, G>A. VCF-style: chr10-69382564-G-A. GRCh37 (hg19) VCF-style: chr10-71142320-G-A.
Other names: c.1355G>A, p.Gly452Asp (NM_001322364.2, NM_001358263.1, NM_033497.3 and 1 more transcripts); c.1448G>A, p.Gly483Asp (NM_001322365.2); c.1259G>A, p.Gly420Asp (NM_001322366.1, NM_001441143.1); c.1247G>A, p.Gly416Asp (NM_001322367.1); c.1343G>A, p.Gly448Asp (NM_001441139.1, NM_001441141.1, NM_001441145.1 and 2 more transcripts); c.1334G>A, p.Gly445Asp (NM_001441140.1); c.1301G>A, p.Gly434Asp (NM_001441142.1); c.1223G>A, p.Gly408Asp (NM_001441144.1); and 8 more; short protein forms G445D, G447D, G112D, G235D, G416D, G452D, G210D, G374D.
Identifiers: ClinVar variation 4737312 (VCV004737312.1).

ClinVar aggregate classification (germline): Uncertain significance (1 of 4 stars; one submission).

gnomAD v4.1: 1 of 1,614,206 alleles (0.000062%); highest among the groups gnomAD compares: South Asian, 0.0011%; no homozygotes.

Submission:

Labcorp Genetics (formerly Invitae), Labcorp
Classification: Uncertain significance. Last evaluated: 2026-01-18. Review status: criteria provided, single submitter. Criteria: Invitae Variant Classification Sherloc (09022015). Collection method: clinical testing. Allele origin: germline.
Comment: This sequence change replaces glycine, which is neutral and non-polar, with aspartic acid, which is acidic and polar, at codon 448 of the HK1 protein (p.Gly448Asp). This variant is not present in population databases (gnomAD no frequency). This variant has not been reported in the literature in individuals affected with HK1-related conditions. Invitae Evidence Modeling of protein sequence and biophysical properties (such as structural, functional, and spatial information, amino acid conservation, physicochemical variation, residue mobility, and thermodynamic stability) has been performed for this missense variant. However, the output from this modeling did not meet the statistical confidence thresholds required to predict the impact of this variant on HK1 protein function. In summary, the available evidence is currently insufficient to determine the role of this variant in disease. Therefore, it has been classified as a Variant of Uncertain Significance.